The following is an entry in ClinVar:

NM_000057.4(BLM):c.2718C>A (p.Asp906Glu)

Gene: BLM (BLM RecQ like helicase; plus strand). Cytogenetic location: 15q26.1.
Variant type: single nucleotide variant.
Coding change: c.2718C>A on transcript NM_000057.4 (MANE Select); coding-DNA position 2718, C replaced by A.
Protein change: p.Asp906Glu; replaces aspartic acid 906 with glutamic acid.
Molecular consequence: missense variant.
Genome position (GRCh38, 1-based): chr15:90,784,976, C>A. VCF-style: chr15-90784976-C-A. GRCh37 (hg19) VCF-style: chr15-91328206-C-A.
Other names: c.2718C>A, p.Asp906Glu (NM_001287246.2, NM_001287247.2); c.1593C>A, p.Asp531Glu (NM_001287248.2); short protein forms D906E, D531E.
Identifiers: ClinVar variation 2729139 (VCV002729139.4), dbSNP rs1050669569, ClinGen allele CA274759199.
Genomic context (GRCh38, chr15:90,784,976, plus strand): 5'-GGCAGATGATTCAGGGATAATTTACTGCCTCTCCAGGCGAGAATGTGACACCATGGCTGA[C>A]ACGTTACAGAGAGATGGGCTCGCTGCTCTTGCTTACCATGCTGGCCTCAGTGATTCTGCC-3'
Protein context (NP_000048.1, residues 896-916): LSRRECDTMA[Asp906Glu]TLQRDGLAAL

ClinVar aggregate classification (germline): Uncertain significance. Review status: criteria provided, multiple submitters, no conflicts (2 of 4 stars). 2 submissions from 2 submitters: Uncertain significance (2). Last evaluated 2025-11-25.

Conditions:
Hereditary cancer-predisposing syndrome. Also called: Hereditary Cancer Syndrome; Tumor predisposition; Neoplastic Syndromes, Hereditary; Hereditary neoplastic syndrome. Identifiers: Orphanet 140162, MedGen C0027672, MeSH D009386, MONDO:0015356.
Bloom syndrome (BLM). Also called: Bloom-Torre-Machacek syndrome. Identifiers: Orphanet 125, MedGen C0005859, MONDO:0008876, OMIM 210900.

Submissions (2):

Ambry Genetics
Classification: Uncertain significance for Hereditary cancer-predisposing syndrome. Last evaluated: 2025-11-25. Review status: criteria provided, single submitter. Criteria: Ambry Variant Classification Scheme 2023. Collection method: clinical testing. Allele origin: germline.
Comment: The p.D906E variant (also known as c.2718C>A), located in coding exon 13 of the BLM gene, results from a C to A substitution at nucleotide position 2718. The aspartic acid at codon 906 is replaced by glutamic acid, an amino acid with highly similar properties. This amino acid position is conserved. In addition, this alteration is predicted to be tolerated by in silico analysis. Based on the available evidence, the clinical significance of this variant remains unclear.

Labcorp Genetics (formerly Invitae), Labcorp
Classification: Uncertain significance for Bloom syndrome. Last evaluated: 2022-10-31. Review status: criteria provided, single submitter. Criteria: Invitae Variant Classification Sherloc (09022015). Collection method: clinical testing. Allele origin: germline.
Comment: This variant is not present in population databases (gnomAD no frequency). This sequence change replaces aspartic acid, which is acidic and polar, with glutamic acid, which is acidic and polar, at codon 906 of the BLM protein (p.Asp906Glu). This variant has not been reported in the literature in individuals affected with BLM-related conditions. Advanced modeling of protein sequence and biophysical properties (such as structural, functional, and spatial information, amino acid conservation, physicochemical variation, residue mobility, and thermodynamic stability) performed at Invitae indicates that this missense variant is not expected to disrupt BLM protein function. In summary, the available evidence is currently insufficient to determine the role of this variant in disease. Therefore, it has been classified as a Variant of Uncertain Significance.